The following is an entry in ClinVar:

NM_001122955.4(BSCL2):c.932G>A (p.Ser311Asn)

Genes: BSCL2 (BSCL2 lipid droplet biogenesis associated, seipin; minus strand), HNRNPUL2-BSCL2 (HNRNPUL2-BSCL2 readthrough (NMD candidate); minus strand). Cytogenetic location: 11q12.3.
Variant type: single nucleotide variant.
Coding change: c.932G>A on transcript NM_001122955.4 (MANE Select); coding-DNA position 932, G replaced by A.
Protein change: p.Ser311Asn; replaces serine 311 with asparagine.
Molecular consequence: missense variant. On other transcripts: non-coding transcript variant (1), intron variant (1).
Genome position (GRCh38, 1-based): chr11:62,691,353, C>T on the plus strand (G>A on the coding strand, the complement: BSCL2 is on the minus strand). VCF-style: chr11-62691353-C-T. GRCh37 (hg19) VCF-style: chr11-62458825-C-T.
Other names: c.932G>A, p.Ser311Asn (NM_001386027.1, NM_001386028.1); c.740G>A, p.Ser247Asn (NM_032667.6); c.672-212G>A (NM_001130702.2); short protein forms S247N, S311N.
Identifiers: ClinVar variation 2061407 (VCV002061407.5), dbSNP rs1945305648, ClinGen allele CA380959886.

ClinVar aggregate classification (germline): Uncertain significance. Review status: criteria provided, multiple submitters, no conflicts (2 of 4 stars). 2 submissions from 2 submitters: Uncertain significance (2). Last evaluated 2025-04-18.

Conditions:
Charcot-Marie-Tooth disease type 2. Also called: Charcot-Marie-Tooth type 2. Identifiers: Orphanet 64746, MedGen C0270914, MONDO:0018993.

Allele frequency attached by ClinVar (database versions not stated): gnomAD exomes below 0.00001.

Submissions (2):

GeneDx
Classification: Uncertain significance. Last evaluated: 2025-04-18. Review status: criteria provided, single submitter. Criteria: GeneDx Variant Classification Process June 2021. Collection method: clinical testing. Allele origin: germline. Affected: yes.
Comment: Not observed at significant frequency in large population cohorts (gnomAD); In silico analysis indicates that this missense variant does not alter protein structure/function; Has not been previously published as pathogenic or benign to our knowledge

Labcorp Genetics (formerly Invitae), Labcorp
Classification: Uncertain significance for Charcot-Marie-Tooth disease type 2. Last evaluated: 2022-06-15. Review status: criteria provided, single submitter. Criteria: Invitae Variant Classification Sherloc (09022015). Collection method: clinical testing. Allele origin: germline.
Comment: In summary, the available evidence is currently insufficient to determine the role of this variant in disease. Therefore, it has been classified as a Variant of Uncertain Significance. Algorithms developed to predict the effect of missense changes on protein structure and function are either unavailable or do not agree on the potential impact of this missense change (SIFT: "Tolerated"; PolyPhen-2: "Probably Damaging"; Align-GVGD: "Class C0"). This variant has not been reported in the literature in individuals affected with BSCL2-related conditions. This variant is not present in population databases (gnomAD no frequency). This sequence change replaces serine, which is neutral and polar, with asparagine, which is neutral and polar, at codon 247 of the BSCL2 protein (p.Ser247Asn).